The following is an entry in ClinVar:

ClinVar aggregate classification (germline): Likely benign. Review status: criteria provided, multiple submitters, no conflicts (2 of 4 stars). 2 submissions from 2 submitters: Likely benign (2). Last evaluated 2025-06-01.

Allele frequency attached by ClinVar (database versions not stated): gnomAD exomes 0.00001; ExAC 0.00002; gnomAD 0.00003 and 0.00004; ESP Exome Variant Server 0.00008.
gnomAD v4.1: 21 of 1,614,096 alleles (0.0013%); highest among the groups gnomAD compares: Non-Finnish European, 0.0016%; no homozygotes.

Submissions (2):

CeGaT Center for Human Genetics Tuebingen
Classification: Likely benign. Last evaluated: 2025-06-01. Review status: criteria provided, single submitter. Criteria: CeGaT Center For Human Genetics Tuebingen Variant Classification Criteria Version 2. Collection method: clinical testing. Allele origin: germline. Affected: yes. Observed: 1 variant allele.
Comment: ELP1: BP4, BP7

Labcorp Genetics (formerly Invitae), Labcorp
Classification: Likely benign. Last evaluated: 2024-11-19. Review status: criteria provided, single submitter. Criteria: Invitae Variant Classification Sherloc (09022015). Collection method: clinical testing. Allele origin: germline.

NM_003640.5(ELP1):c.3639G>A (p.Leu1213=)

Gene: ELP1 (elongator acetyltransferase complex subunit 1; minus strand). Cytogenetic location: 9q31.3.
Variant type: single nucleotide variant.
Coding change: c.3639G>A on transcript NM_003640.5 (MANE Select); coding-DNA position 3639, G replaced by A.
Protein change: p.Leu1213=; no amino-acid change (leucine 1213 retained).
Molecular consequence: synonymous variant.
Genome position (GRCh38, 1-based): chr9:108,878,684, C>T on the plus strand (G>A on the coding strand, the complement: ELP1 is on the minus strand). VCF-style: chr9-108878684-C-T. GRCh37 (hg19) VCF-style: chr9-111640964-C-T.
Other names: c.3297G>A, p.Leu1099= (NM_001318360.2); c.2592G>A, p.Leu864= (NM_001330749.2).
Identifiers: ClinVar variation 795889 (VCV000795889.16), dbSNP rs377677858, ClinGen allele CA5174226.
Genomic context (GRCh38, chr9:108,878,684, plus strand): 5'-TTTCAGGTTTTCAGTGTTCTGCACCACTTCACTCAGTGCCTCCAGGAGGGCCAGGTCCTC[C>T]AGCGGACTGCCTTCTTTGAGGCTGTGCTTCTTCCGCTCCGCTTTTCGGCGATTCTTGGAT-3'
Protein context (NP_003631.2, residues 1203-1223): KKHSLKEGSP[Leu1213=]EDLALLEALS